The following is an entry in ClinVar:

NM_000138.5(FBN1):c.8203G>A (p.Glu2735Lys)

Gene: FBN1 (fibrillin 1; minus strand). Cytogenetic location: 15q21.1.
Variant type: single nucleotide variant.
Coding change: c.8203G>A on transcript NM_000138.5 (MANE Select); coding-DNA position 8203, G replaced by A.
Protein change: p.Glu2735Lys; replaces glutamic acid 2735 with lysine.
Molecular consequence: missense variant.
Genome position (GRCh38, 1-based): chr15:48,412,592, C>T on the plus strand (G>A on the coding strand, the complement: FBN1 is on the minus strand). VCF-style: chr15-48412592-C-T. GRCh37 (hg19) VCF-style: chr15-48704789-C-T.
Other names: c.8203G>A, p.Glu2735Lys (NM_001406716.1); short protein forms E2735K.
Identifiers: ClinVar variation 2924219 (VCV002924219.8), dbSNP rs756124960, ClinGen allele CA059762.

ClinVar aggregate classification (germline): Conflicting classifications of pathogenicity. Review status: criteria provided, conflicting classifications (1 of 4 stars). 5 submissions from 5 submitters: Uncertain significance (3); Benign (1); Likely benign (1). Last evaluated 2026-04-30.

Conditions:
Familial thoracic aortic aneurysm and aortic dissection (TAAD). Also called: Thoracic aortic aneurysms and dissections. Identifiers: Orphanet 91387, MedGen C4707243, MONDO:0019625.
Marfan syndrome (MFS). Also called: MARFAN SYNDROME, TYPE I; Marfan syndrome type 1; Marfan's syndrome; Marfan syndrome, classic; FBN1-Related Marfan Syndrome. Identifiers: Orphanet 284963, Orphanet 558, MedGen C0024796, MONDO:0007947, OMIM 154700.

Allele frequency attached by ClinVar (database versions not stated): TOPMed 0.00003; gnomAD exomes 0.00001; ExAC 0.00001; gnomAD 0.00002.
gnomAD v4.1: 12 of 1,614,020 alleles (0.00074%); highest among the groups gnomAD compares: African/African-American, 0.004%; no homozygotes.

Submissions (5):

Ambry Genetics
Classification: Uncertain significance for Familial thoracic aortic aneurysm and aortic dissection. Last evaluated: 2026-04-30. Review status: criteria provided, single submitter. Criteria: Ambry Variant Classification Scheme 2023. Collection method: clinical testing. Allele origin: germline.
Comment: The p.E2735K variant (also known as c.8203G>A), located in coding exon 64 of the FBN1 gene, results from a G to A substitution at nucleotide position 8203. The glutamic acid at codon 2735 is replaced by lysine, an amino acid with similar properties. This amino acid position is conserved. In addition, the in silico prediction for this alteration is inconclusive. Based on the available evidence, the clinical significance of this variant remains unclear.

All of Us Research Program, National Institutes of Health
Classification: Uncertain significance for Marfan syndrome. Last evaluated: 2024-09-23. Review status: criteria provided, single submitter. Criteria: ACMG Guidelines, 2015. Collection method: clinical testing. Allele origin: germline. Inheritance: Autosomal dominant inheritance. Observed: 3 variant alleles, 3 heterozygotes.
Comment: This missense variant replaces glutamic acid with lysine at codon 2735 of the FBN1 protein. Computational prediction suggests that this variant may not impact protein structure and function (internally defined REVEL score threshold <= 0.5, PMID: 27666373). To our knowledge, functional studies have not been reported for this variant. This variant has not been reported in individuals affected with FBN1-related disorders in the literature. This variant has been identified in 4/282766 chromosomes in the general population by the Genome Aggregation Database (gnomAD). The available evidence is insufficient to determine the role of this variant in disease conclusively. Therefore, this variant is classified as a Variant of Uncertain Significance.

This study involves interpretation of variants in research participants for the purpose of population health screening. Participant phenotype was not available at the time of variant classification. Additional details can be found in publication PMID: 35346344, PMCID: PMC8962531

Labcorp Genetics (formerly Invitae), Labcorp
Classification: Benign for Marfan syndrome; Familial thoracic aortic aneurysm and aortic dissection. Last evaluated: 2024-02-10. Review status: criteria provided, single submitter. Criteria: Invitae Variant Classification Sherloc (09022015). Collection method: clinical testing. Allele origin: germline.

Color Diagnostics, LLC DBA Color Health
Classification: Uncertain significance for Familial thoracic aortic aneurysm and aortic dissection. Last evaluated: 2023-10-25. Review status: criteria provided, single submitter. Criteria: ACMG Guidelines, 2015. Collection method: clinical testing. Allele origin: germline.
Comment: This missense variant replaces glutamic acid with lysine at codon 2735 of the FBN1 protein. Computational prediction suggests that this variant may not impact protein structure and function. To our knowledge, functional studies have not been reported for this variant. This variant has not been reported in individuals affected with FBN1-related disorders in the literature. This variant has been identified in 4/282766 chromosomes in the general population by the Genome Aggregation Database (gnomAD). The available evidence is insufficient to determine the role of this variant in disease conclusively. Therefore, this variant is classified as a Variant of Uncertain Significance.

Blueprint Genetics
Classification: Likely benign. Last evaluated: 2022-11-28. Review status: criteria provided, single submitter. Criteria: ACMG Guidelines, 2015. Collection method: clinical testing. Allele origin: germline.